The following is an entry in ClinVar:

NM_004629.2(FANCG):c.999C>T (p.Asp333=)

Gene: FANCG (FA complementation group G; minus strand). Cytogenetic location: 9p13.3.
Variant type: single nucleotide variant.
Coding change: c.999C>T on transcript NM_004629.2 (MANE Select); coding-DNA position 999, C replaced by T.
Protein change: p.Asp333=; no amino-acid change (aspartic acid 333 retained).
Molecular consequence: synonymous variant.
Genome position (GRCh38, 1-based): chr9:35,076,509, G>A on the plus strand (C>T on the coding strand, the complement: FANCG is on the minus strand). VCF-style: chr9-35076509-G-A. GRCh37 (hg19) VCF-style: chr9-35076506-G-A.
Identifiers: ClinVar variation 914733 (VCV000914733.38), dbSNP rs762238437, ClinGen allele CA5039873.
Genomic context (GRCh38, chr9:35,076,509, plus strand): 5'-CCTGCTTGCTAGTATGTGCTTGGTCTGGCTCTGAGTGCCACAATGAAGGGGTGAGGCTAG[G>A]TCAGGTGGTGGCAGTAGTAATTCTACCTCAATGAGAAACTGCGGGGCTTTGGAACTGCAT-3'
Protein context (NP_004620.1, residues 323-343): IEVELLLPPP[Asp333=]LASPLHCGTQ

ClinVar aggregate classification (germline): Conflicting classifications of pathogenicity. Review status: criteria provided, conflicting classifications (1 of 4 stars). 5 submissions from 5 submitters: Uncertain significance (2); Likely benign (3). Last evaluated 2025-01-04.

Conditions:
Fanconi anemia complementation group G. Also called: FANCG-Related Fanconi Anemia; Fanconi anemia group G. Identifiers: Orphanet 84, MedGen C3469527, MONDO:0013565, OMIM 614082.
Fanconi anemia (FA). Also called: Fanconi's anemia. Identifiers: Orphanet 84, MedGen C0015625, MeSH D005199, MONDO:0019391.
Inborn genetic diseases. Identifiers: MedGen C0950123, MeSH D030342.

Allele frequency attached by ClinVar (database versions not stated): gnomAD exomes below 0.00001 and 0.00001; ExAC 0.00001; gnomAD 0.00001.
gnomAD v4.1: 7 of 1,614,098 alleles (0.00043%); highest among the groups gnomAD compares: Non-Finnish European, 0.00059%; no homozygotes.

Submissions (5):

Ambry Genetics
Classification: Likely benign for Inborn genetic diseases. Last evaluated: 2025-01-04. Review status: criteria provided, single submitter. Criteria: Ambry Variant Classification Scheme 2023. Collection method: clinical testing. Allele origin: germline.

Fulgent Genetics
Classification: Uncertain significance for Fanconi anemia complementation group G. Last evaluated: 2024-03-10. Review status: criteria provided, single submitter. Criteria: ACMG Guidelines, 2015. Collection method: clinical testing. Allele origin: germline.

Labcorp Genetics (formerly Invitae), Labcorp
Classification: Likely benign for Fanconi anemia. Last evaluated: 2024-02-10. Review status: criteria provided, single submitter. Criteria: Invitae Variant Classification Sherloc (09022015). Collection method: clinical testing. Allele origin: germline.

CeGaT Center for Human Genetics Tuebingen
Classification: Likely benign. Last evaluated: 2023-01-01. Review status: criteria provided, single submitter. Criteria: CeGaT Center For Human Genetics Tuebingen Variant Classification Criteria Version 2. Collection method: clinical testing. Allele origin: germline. Affected: yes. Observed: 1 variant allele.
Comment: FANCG: BP4, BP7

Illumina Laboratory Services, Illumina
Classification: Uncertain significance for Fanconi anemia complementation group G. Last evaluated: 2018-01-13. Review status: criteria provided, single submitter. Criteria: ICSL Variant Classification Criteria 13 December 2019. Collection method: clinical testing. Allele origin: germline.